The following is an entry in ClinVar:

ClinVar aggregate classification (germline): Uncertain significance (1 of 4 stars; one submission).

Conditions:
Developmental and epileptic encephalopathy, 11 (DEE11). Also called: Early infantile epileptic encephalopathy 11. Identifiers: Orphanet 1934, MedGen C3150987, MONDO:0013388, OMIM 613721.
Seizures, benign familial infantile, 3 (BFIS3). Also called: CONVULSIONS, BENIGN FAMILIAL INFANTILE, 3; Familial neonatal seizures. Identifiers: Orphanet 140927, Orphanet 306, MedGen C1843140, MONDO:0011904, OMIM 607745.

gnomAD v4.1: 1 of 1,613,908 alleles (0.000062%); highest among the groups gnomAD compares: Non-Finnish European, 0.000085%; no homozygotes.

Submission:

Labcorp Genetics (formerly Invitae), Labcorp
Classification: Uncertain significance for Seizures, benign familial infantile, 3; Developmental and epileptic encephalopathy, 11. Last evaluated: 2025-05-07. Review status: criteria provided, single submitter. Criteria: Invitae Variant Classification Sherloc (09022015). Collection method: clinical testing. Allele origin: germline.
Comment: This sequence change replaces serine, which is neutral and polar, with asparagine, which is neutral and polar, at codon 1100 of the SCN2A protein (p.Ser1100Asn). This variant is not present in population databases (gnomAD no frequency). This variant has not been reported in the literature in individuals affected with SCN2A-related conditions. Invitae Evidence Modeling of protein sequence and biophysical properties (such as structural, functional, and spatial information, amino acid conservation, physicochemical variation, residue mobility, and thermodynamic stability) indicates that this missense variant is not expected to disrupt SCN2A protein function with a negative predictive value of 95%. In summary, the available evidence is currently insufficient to determine the role of this variant in disease. Therefore, it has been classified as a Variant of Uncertain Significance.

NM_001040142.2(SCN2A):c.3299G>A (p.Ser1100Asn)

Gene: SCN2A (sodium voltage-gated channel alpha subunit 2; plus strand). Cytogenetic location: 2q24.3.
Variant type: single nucleotide variant.
Coding change: c.3299G>A on transcript NM_001040142.2 (MANE Select); coding-DNA position 3299, G replaced by A.
Protein change: p.Ser1100Asn; replaces serine 1100 with asparagine.
Molecular consequence: missense variant.
Genome position (GRCh38, 1-based): chr2:165,354,571, G>A. VCF-style: chr2-165354571-G-A. GRCh37 (hg19) VCF-style: chr2-166211081-G-A.
Other names: c.3299G>A, p.Ser1100Asn (NM_001040143.2, NM_001371246.1, NM_001371247.1 and 1 more transcripts); short protein forms S1100N.
Identifiers: ClinVar variation 4789345 (VCV004789345.1).